The following is an entry in ClinVar:

ClinVar aggregate classification (germline): Benign. Review status: criteria provided, multiple submitters, no conflicts (2 of 4 stars). 3 submissions from 3 submitters: Benign (3). Last evaluated 2023-11-12.

Allele frequency attached by ClinVar (database versions not stated): 1000 Genomes Project 30x 0.19004; 1000 Genomes Project 0.19069; TOPMed 0.27570; gnomAD 0.28108 and 0.28127; ESP Exome Variant Server 0.30002; gnomAD exomes 0.31087 and 0.37334; ExAC 0.31138.
gnomAD v4.1: 586,781 of 1,610,448 alleles (36%); highest among the groups gnomAD compares: Middle Eastern, 48%; 114,712 homozygotes.

Submissions (3):

Unidad de Genómica Garrahan, Hospital de Pediatría Garrahan
Classification: Benign. Last evaluated: 2023-11-12. Review status: criteria provided, single submitter. Criteria: ACMG Guidelines, 2015. Collection method: clinical testing. Allele origin: germline. Affected: no. Observed: 34 variant alleles.
Comment: This variant is classified as Benign based on local population frequency. This variant was detected in 35% of patients studied by a panel of primary immunodeficiencies. Number of patients: 34. Only high quality variants are reported.

GeneDx
Classification: Benign. Last evaluated: 2018-07-09. Review status: criteria provided, single submitter. Criteria: GeneDx Variant Classification Process June 2021. Collection method: clinical testing. Allele origin: germline. Affected: yes.

Breakthrough Genomics
Classification: Benign. Review status: criteria provided, single submitter. Criteria: ACMG Guidelines, 2015. Collection method: not provided. Allele origin: germline. Inheritance: Autosomal recessive inheritance. Affected: yes.

NM_198053.3(CD247):c.163-33G>A

Genes: CD247 (CD247 molecule; minus strand), LOC129931851 (ATAC-STARR-seq lymphoblastoid silent region 1525; plus strand). Cytogenetic location: 1q24.2.
Variant type: single nucleotide variant.
Coding change: c.163-33G>A on transcript NM_198053.3 (MANE Select); 33 bases into the intron before coding-DNA position 163, G replaced by A.
Molecular consequence: intron variant.
Genome position (GRCh38, 1-based): chr1:167,439,433, C>T on the plus strand (G>A on the coding strand, the complement: CD247 is on the minus strand). VCF-style: chr1-167439433-C-T. GRCh37 (hg19) VCF-style: chr1-167408670-C-T.
Other names: c.163-33G>A (NM_000734.4); c.256-33G>A (NM_001378516.1, NM_001378515.1).
Identifiers: ClinVar variation 1179252 (VCV001179252.5), dbSNP rs840016, ClinGen allele CA1226084.